The following is an entry in ClinVar:

ClinVar aggregate classification (germline): Uncertain significance (1 of 4 stars; one submission).

Conditions:
Asphyxiating thoracic dystrophy 5 (SRTD5). Also called: SHORT-RIB THORACIC DYSPLASIA 5 WITH OR WITHOUT POLYDACTYLY; SHORT-RIB THORACIC DYSPLASIA 5 WITHOUT POLYDACTYLY. Identifiers: Orphanet 474, MedGen C3280598, MONDO:0013717, OMIM 614376.
Senior-Loken syndrome 8 (SLSN8). Identifiers: Orphanet 3156, MedGen C4225376, MONDO:0014579, OMIM 616307.

Submission:

Labcorp Genetics (formerly Invitae), Labcorp
Classification: Uncertain significance for Senior-Loken syndrome 8; Asphyxiating thoracic dystrophy 5. Last evaluated: 2022-10-05. Review status: criteria provided, single submitter. Criteria: Invitae Variant Classification Sherloc (09022015). Collection method: clinical testing. Allele origin: germline.
Comment: In summary, the available evidence is currently insufficient to determine the role of this variant in disease. Therefore, it has been classified as a Variant of Uncertain Significance. Advanced modeling of protein sequence and biophysical properties (such as structural, functional, and spatial information, amino acid conservation, physicochemical variation, residue mobility, and thermodynamic stability) performed at Invitae indicates that this missense variant is not expected to disrupt WDR19 protein function. ClinVar contains an entry for this variant (Variation ID: 1362140). This variant has not been reported in the literature in individuals affected with WDR19-related conditions. This sequence change replaces glutamic acid, which is acidic and polar, with valine, which is neutral and non-polar, at codon 462 of the WDR19 protein (p.Glu462Val). This variant is not present in population databases (gnomAD no frequency).

NM_025132.4(WDR19):c.1385A>T (p.Glu462Val)

Gene: WDR19 (WD repeat domain 19; plus strand). Cytogenetic location: 4p14.
Variant type: single nucleotide variant.
Coding change: c.1385A>T on transcript NM_025132.4 (MANE Select); coding-DNA position 1385, A replaced by T.
Protein change: p.Glu462Val; replaces glutamic acid 462 with valine.
Molecular consequence: missense variant.
Genome position (GRCh38, 1-based): chr4:39,218,011, A>T. VCF-style: chr4-39218011-A-T. GRCh37 (hg19) VCF-style: chr4-39219631-A-T.
Other names: c.905A>T, p.Glu302Val (NM_001317924.2); short protein forms E462V, E302V.
Identifiers: ClinVar variation 1362140 (VCV001362140.8), dbSNP rs2109331852, ClinGen allele CA356631098.